The following is an entry in ClinVar:

ClinVar aggregate classification (germline): Pathogenic (0 of 4 stars; one submission).

Conditions:
Fanconi anemia complementation group A (FANCA). Also called: Fanconi anemia, group A; FANCA-Related Fanconi Anemia. Identifiers: Orphanet 84, MedGen C3469521, MONDO:0009215, OMIM 227650.

Submission:

Leiden Open Variation Database
Classification: Pathogenic for Fanconi anemia complementation group A. Last evaluated: 2020-02-28. Review status: no assertion criteria provided. Collection method: curation. Allele origin: germline. Affected: yes.
Comment: Curator: Arleen D. Auerbach. Submitter to LOVD: Arleen D. Auerbach.

Literature cited by the submitters: PubMed 10094191.

NM_000135.4(FANCA):c.4010_4010+18del

Genes: ZNF276 (zinc finger protein 276; plus strand), FANCA (FA complementation group A; minus strand). Cytogenetic location: 16q24.3.
Variant type: Deletion.
Coding change: c.4010_4010+18del on transcript NM_000135.4 (MANE Select); coding-DNA position 4010 through 18 bases into the intron after coding-DNA position 4010, 19 bases deleted (GGTACCTCCACCCACAGGG).
Molecular consequence: splice donor variant. On other transcripts: 3 prime UTR variant (2), non-coding transcript variant (4).
Genome position (GRCh38, 1-based): chr16:89,739,460-89,739,478, CCCTGTGGGTGGAGGTACC deleted on the plus strand (GGTACCTCCACCCACAGGG on the coding strand, the reverse complement: FANCA is on the minus strand). VCF-style (leftmost placement, unchanged base first): chr16-89739459-GCCCTGTGGGTGGAGGTACC-G. GRCh37 (hg19) VCF-style: chr16-89805867-GCCCTGTGGGTGGAGGTACC-G.
Other names: c.*1214_*1232del (NM_001113525.2, NM_152287.4); c.4010_4010+18del (NM_001286167.3).
Identifiers: ClinVar variation 974062 (VCV000974062.1), dbSNP rs2062066871, ClinGen allele CA1139664947.